The following is an entry in ClinVar:

NM_005560.6(LAMA5):c.3009A>T (p.Glu1003Asp)

Gene: LAMA5 (laminin subunit alpha 5; minus strand). Cytogenetic location: 20q13.33.
Variant type: single nucleotide variant.
Coding change: c.3009A>T on transcript NM_005560.6 (MANE Select); coding-DNA position 3009, A replaced by T.
Protein change: p.Glu1003Asp; replaces glutamic acid 1003 with aspartic acid.
Molecular consequence: missense variant.
Genome position (GRCh38, 1-based): chr20:62,333,576, T>A on the plus strand (A>T on the coding strand, the complement: LAMA5 is on the minus strand). VCF-style: chr20-62333576-T-A. GRCh37 (hg19) VCF-style: chr20-60908632-T-A.
Other names: c.3009A>T (NM_005560.3); short protein forms E1003D.
Identifiers: ClinVar variation 2779414 (VCV002779414.4), dbSNP rs749525036, ClinGen allele CA9943236.

ClinVar aggregate classification (germline): Uncertain significance. Review status: criteria provided, multiple submitters, no conflicts (2 of 4 stars). 2 submissions from 2 submitters: Uncertain significance (2). Last evaluated 2025-07-12.

Conditions:
Inborn genetic diseases. Identifiers: MedGen C0950123, MeSH D030342.

Allele frequency attached by ClinVar (database versions not stated): gnomAD 0.00001; TOPMed 0.00001; gnomAD exomes 0.00002; ExAC 0.00004.
gnomAD v4.1: 27 of 1,566,760 alleles (0.0017%); highest among the groups gnomAD compares: Non-Finnish European, 0.0022%; no homozygotes.

Submissions (2):

Ambry Genetics
Classification: Uncertain significance for Inborn genetic diseases. Last evaluated: 2025-07-12. Review status: criteria provided, single submitter. Criteria: Ambry Variant Classification Scheme 2023. Collection method: clinical testing. Allele origin: germline.

Labcorp Genetics (formerly Invitae), Labcorp
Classification: Uncertain significance. Last evaluated: 2023-10-18. Review status: criteria provided, single submitter. Criteria: Invitae Variant Classification Sherloc (09022015). Collection method: clinical testing. Allele origin: germline.
Comment: This sequence change replaces glutamic acid, which is acidic and polar, with aspartic acid, which is acidic and polar, at codon 1003 of the LAMA5 protein (p.Glu1003Asp). This variant is present in population databases (rs749525036, gnomAD 0.003%). This variant has not been reported in the literature in individuals affected with LAMA5-related conditions. An algorithm developed to predict the effect of missense changes on protein structure and function (PolyPhen-2) suggests that this variant is likely to be disruptive. In summary, the available evidence is currently insufficient to determine the role of this variant in disease. Therefore, it has been classified as a Variant of Uncertain Significance.